The following is an entry in ClinVar:

NM_016335.6(PRODH):c.1322T>A (p.Leu441Gln)

Gene: PRODH (proline dehydrogenase 1; minus strand). Cytogenetic location: 22q11.21.
Variant type: single nucleotide variant.
Coding change: c.1322T>A on transcript NM_016335.6 (MANE Select); coding-DNA position 1322, T replaced by A.
Protein change: p.Leu441Gln; replaces leucine 441 with glutamine.
Molecular consequence: missense variant.
Genome position (GRCh38, 1-based): chr22:18,918,421, A>T on the plus strand (T>A on the coding strand, the complement: PRODH is on the minus strand). VCF-style: chr22-18918421-A-T. GRCh37 (hg19) VCF-style: chr22-18905934-A-T.
Other names: c.998T>A, p.Leu333Gln (NM_001195226.2); short protein forms L333Q, L441Q.
Identifiers: ClinVar variation 1312924 (VCV001312924.2), dbSNP rs2904551, ClinGen allele CA410642330.

ClinVar aggregate classification (germline): Uncertain significance (1 of 4 stars; one submission).

Submission:

GeneDx
Classification: Uncertain significance. Last evaluated: 2020-07-16. Review status: criteria provided, single submitter. Criteria: GeneDx Variant Classification Process June 2021. Collection method: clinical testing. Allele origin: germline. Affected: yes.
Comment: L441Q has not been previously published as pathogenic or benign to our knowledge; however, the L441P variant has been reported in the homozygous state in an individual with hyperprolinemia type I, and L441P leads to reduced stability of proline oxidase and significant reduction in its activity ((Jacquet et al., 2002; Bender et al., 2005; Cappelletti et al., 2018); Not observed in large population cohorts (Lek et al., 2016); In-silico analysis, which includes splice predictors and evolutionary conservation, supports that this missense variant has a deleterious effect on protein structure/function, but is inconclusive as to whether the variant alters gene splicing; in the absence of RNA/functional studies, the actual effect of this sequence change is unknown